The following is an entry in ClinVar:

NM_030773.4(TUBB1):c.1060T>C (p.Cys354Arg)

Gene: TUBB1 (tubulin beta 1 class VI; plus strand). Cytogenetic location: 20q13.32.
Variant type: single nucleotide variant.
Coding change: c.1060T>C on transcript NM_030773.4 (MANE Select); coding-DNA position 1060, T replaced by C.
Protein change: p.Cys354Arg; replaces cysteine 354 with arginine.
Molecular consequence: missense variant.
Genome position (GRCh38, 1-based): chr20:59,024,487, T>C. VCF-style: chr20-59024487-T-C. GRCh37 (hg19) VCF-style: chr20-57599542-T-C.
Other names: short protein forms C354R.
Identifiers: ClinVar variation 1684416 (VCV001684416.1), dbSNP rs2146377718, ClinGen allele CA409468239.
Genomic context (GRCh38, chr20:59,024,487, plus strand): 5'-CAGACCAGGAACAGCAGCTGCTTTGTGGAGTGGATTCCCAACAACGTCAAGGTGGCTGTC[T>C]GCGACATCCCGCCCCGGGGGCTGAGCATGGCCGCCACCTTCATTGGCAACAACACGGCCA-3'
Protein context (NP_110400.1, residues 344-364): WIPNNVKVAV[Cys354Arg]DIPPRGLSMA

ClinVar aggregate classification (germline): Uncertain significance (0 of 4 stars; one submission).

Conditions:
Macrothrombocytopenia, isolated, 1, autosomal dominant (MACTHC1). Also called: Autosomal dominant macrothrombocytopenia TUBB1-related. Identifiers: Orphanet 140957, MedGen C5676892, MONDO:0800047, OMIM 613112.

Submission:

ISTH-SSC Genomics in Thrombosis and Hemostasis, KU Leuven, Center for Molecular and Vascular Biology
Classification: Uncertain significance for Macrothrombocytopenia, isolated, 1, autosomal dominant. Review status: no assertion criteria provided. Collection method: research. Allele origin: unknown. Affected: yes.
Comment: Submitted to GoldVariant by Dr Karyn Mégy from NIHR Bioresource - Cambridge University, UK